The following is an entry in ClinVar:

ClinVar aggregate classification (germline): Uncertain significance (1 of 4 stars; one submission).

Conditions:
DYRK1A-related intellectual disability syndrome (MRD7). Also called: DYRK1A Syndrome; Intellectual developmental disorder, autosomal dominant 7. Identifiers: Orphanet 464306, MedGen C5568143, MONDO:0013578, OMIM 614104.

Allele frequency attached by ClinVar (database versions not stated): ExAC 0.00001; gnomAD exomes 0.00001.
gnomAD v4.1: 1 of 1,612,586 alleles (0.000062%); highest among the groups gnomAD compares: Non-Finnish European, 0.000085%; no homozygotes.

Submission:

Labcorp Genetics (formerly Invitae), Labcorp
Classification: Uncertain significance for DYRK1A-related intellectual disability syndrome. Last evaluated: 2021-11-03. Review status: criteria provided, single submitter. Criteria: Invitae Variant Classification Sherloc (09022015). Collection method: clinical testing. Allele origin: germline.
Comment: This variant has not been reported in the literature in individuals affected with DYRK1A-related conditions. In summary, the available evidence is currently insufficient to determine the role of this variant in disease. Therefore, it has been classified as a Variant of Uncertain Significance. Advanced modeling of protein sequence and biophysical properties (such as structural, functional, and spatial information, amino acid conservation, physicochemical variation, residue mobility, and thermodynamic stability) performed at Invitae indicates that this missense variant is not expected to disrupt DYRK1A protein function. This variant is present in population databases (rs765046647, gnomAD 0.002%). This sequence change replaces asparagine, which is neutral and polar, with isoleucine, which is neutral and non-polar, at codon 523 of the DYRK1A protein (p.Asn523Ile).

NM_001347721.2(DYRK1A):c.1541A>T (p.Asn514Ile)

Gene: DYRK1A (dual specificity tyrosine phosphorylation regulated kinase 1A; plus strand). Cytogenetic location: 21q22.13.
Variant type: single nucleotide variant.
Coding change: c.1541A>T on transcript NM_001347721.2 (MANE Select); coding-DNA position 1541, A replaced by T.
Protein change: p.Asn514Ile; replaces asparagine 514 with isoleucine.
Molecular consequence: missense variant. On other transcripts: intron variant (1).
Genome position (GRCh38, 1-based): chr21:37,506,120, A>T. VCF-style: chr21-37506120-A-T. GRCh37 (hg19) VCF-style: chr21-38878423-A-T.
Other names: c.1541A>T, p.Asn514Ile (NM_001347722.2, NM_130436.2); c.1454A>T, p.Asn485Ile (NM_001347723.2); c.1568A>T, p.Asn523Ile (NM_001396.5, NM_101395.2); c.1546+531A>T (NM_130438.2); short protein forms N485I, N514I, N523I.
Identifiers: ClinVar variation 1485257 (VCV001485257.6), dbSNP rs765046647, ClinGen allele CA10024003.